The following is an entry in ClinVar:

NM_000379.4(XDH):c.3959C>G (p.Thr1320Ser)

Gene: XDH (xanthine dehydrogenase; minus strand). Cytogenetic location: 2p23.1.
Variant type: single nucleotide variant.
Coding change: c.3959C>G on transcript NM_000379.4 (MANE Select); coding-DNA position 3959, C replaced by G.
Protein change: p.Thr1320Ser; replaces threonine 1320 with serine.
Molecular consequence: missense variant.
Genome position (GRCh38, 1-based): chr2:31,336,001, G>C on the plus strand (C>G on the coding strand, the complement: XDH is on the minus strand). VCF-style: chr2-31336001-G-C. GRCh37 (hg19) VCF-style: chr2-31558867-G-C.
Other names: short protein forms T1320S.
Identifiers: ClinVar variation 1984649 (VCV001984649.4), dbSNP rs893620757, ClinGen allele CA346492758.

ClinVar aggregate classification (germline): Uncertain significance (1 of 4 stars; one submission).

Conditions:
Xanthinuria type II. Also called: Xanthine dehydrogenase and aldehyde oxidase combined deficiency of; XDH and AOX dual deficiency. Identifiers: Orphanet 3467, Orphanet 93602, MedGen C1863688, MONDO:0011346, OMIM 603592.

gnomAD v4.1: 2 of 1,614,176 alleles (0.00012%); highest among the groups gnomAD compares: Middle Eastern, 0.016%; no homozygotes.

Submission:

Labcorp Genetics (formerly Invitae), Labcorp
Classification: Uncertain significance for Xanthinuria type II. Last evaluated: 2022-07-15. Review status: criteria provided, single submitter. Criteria: Invitae Variant Classification Sherloc (09022015). Collection method: clinical testing. Allele origin: germline.
Comment: In summary, the available evidence is currently insufficient to determine the role of this variant in disease. Therefore, it has been classified as a Variant of Uncertain Significance. Algorithms developed to predict the effect of missense changes on protein structure and function (SIFT, PolyPhen-2, Align-GVGD) all suggest that this variant is likely to be tolerated. This sequence change replaces threonine, which is neutral and polar, with serine, which is neutral and polar, at codon 1320 of the XDH protein (p.Thr1320Ser). This variant is not present in population databases (gnomAD no frequency). This variant has not been reported in the literature in individuals affected with XDH-related conditions.